The following is an entry in ClinVar:

NM_004586.3(RPS6KA3):c.1100A>G (p.Lys367Arg)

Gene: RPS6KA3 (ribosomal protein S6 kinase A3; minus strand). Cytogenetic location: Xp22.12.
Variant type: single nucleotide variant.
Coding change: c.1100A>G on transcript NM_004586.3 (MANE Select); coding-DNA position 1100, A replaced by G.
Protein change: p.Lys367Arg; replaces lysine 367 with arginine.
Molecular consequence: missense variant.
Genome position (GRCh38, 1-based): chrX:20,176,252, T>C on the plus strand (A>G on the coding strand, the complement: RPS6KA3 is on the minus strand). VCF-style: chrX-20176252-T-C. GRCh37 (hg19) VCF-style: chrX-20194370-T-C.
Other names: c.1016A>G, p.Lys339Arg (NM_001438340.1); short protein forms K339R, K367R.
Identifiers: ClinVar variation 4792997 (VCV004792997.1).

ClinVar aggregate classification (germline): Uncertain significance (1 of 4 stars; one submission).

Conditions:
Intellectual developmental disorder, X-linked 19. Also called: Intellectual disability, X-linked 19. Identifiers: Orphanet 777, MedGen C0796225, MONDO:0010447, OMIM 300844.
Coffin-Lowry syndrome (CLS). Also called: Mental retardation with osteocartilaginous abnormalities; COFFIN-LOWRY SYNDROME, MILD. Identifiers: Orphanet 192, MedGen C0265252, MONDO:0010561, OMIM 303600.

Submission:

Labcorp Genetics (formerly Invitae), Labcorp
Classification: Uncertain significance for Coffin-Lowry syndrome; Intellectual developmental disorder, X-linked 19. Last evaluated: 2025-11-27. Review status: criteria provided, single submitter. Criteria: Invitae Variant Classification Sherloc (09022015). Collection method: clinical testing. Allele origin: germline.
Comment: This sequence change replaces lysine, which is basic and polar, with arginine, which is basic and polar, at codon 367 of the RPS6KA3 protein (p.Lys367Arg). This variant is present in population databases (rs748206319, gnomAD 0.001%). This variant has not been reported in the literature in individuals affected with RPS6KA3-related conditions. Invitae Evidence Modeling of protein sequence and biophysical properties (such as structural, functional, and spatial information, amino acid conservation, physicochemical variation, residue mobility, and thermodynamic stability) indicates that this missense variant is not expected to disrupt RPS6KA3 protein function with a negative predictive value of 95%. In summary, the available evidence is currently insufficient to determine the role of this variant in disease. Therefore, it has been classified as a Variant of Uncertain Significance.